The following is an entry in ClinVar:

ClinVar aggregate classification (germline): Benign/Likely benign. Review status: criteria provided, multiple submitters, no conflicts (2 of 4 stars). 3 submissions from 3 submitters: Benign (1); Likely benign (2). Last evaluated 2025-11-17.

Conditions:
Hereditary cancer-predisposing syndrome. Also called: Tumor predisposition; Hereditary Cancer Syndrome; Neoplastic Syndromes, Hereditary; Hereditary neoplastic syndrome. Identifiers: Orphanet 140162, MedGen C0027672, MeSH D009386, MONDO:0015356.
Familial adenomatous polyposis 1 (FAP1). Also called: POLYPOSIS, ADENOMATOUS INTESTINAL; FAMILIAL ADENOMATOUS POLYPOSIS 1, ATTENUATED. Identifiers: MedGen C2713442, MONDO:0021056, OMIM 175100. Disease mechanism: loss of function.

Submissions (3):

Labcorp Genetics (formerly Invitae), Labcorp
Classification: Likely benign for Familial adenomatous polyposis 1. Last evaluated: 2025-11-17. Review status: criteria provided, single submitter. Criteria: Invitae Variant Classification Sherloc (09022015). Collection method: clinical testing. Allele origin: germline.

Myriad Genetics, Inc.
Classification: Benign for Familial adenomatous polyposis 1. Last evaluated: 2024-03-01. Review status: criteria provided, single submitter. Criteria: Myriad Autosomal Dominant, Autosomal Recessive and X-Linked Classification Criteria (2023). Collection method: clinical testing. Allele origin: unknown.
Comment: This variant is considered benign. This variant is a silent/synonymous amino acid change and it is not expected to impact splicing.

Ambry Genetics
Classification: Likely benign for Hereditary cancer-predisposing syndrome. Last evaluated: 2023-10-09. Review status: criteria provided, single submitter. Criteria: Ambry Variant Classification Scheme 2023. Collection method: clinical testing. Allele origin: germline.

NM_000038.6(APC):c.1428A>T (p.Ala476=)

Gene: APC (APC regulator of Wnt signaling pathway; plus strand). Cytogenetic location: 5q22.2.
Variant type: single nucleotide variant.
Coding change: c.1428A>T on transcript NM_000038.6 (MANE Select); coding-DNA position 1428, A replaced by T.
Protein change: p.Ala476=; no amino-acid change (alanine 476 retained).
Molecular consequence: synonymous variant.
Genome position (GRCh38, 1-based): chr5:112,827,127, A>T. VCF-style: chr5-112827127-A-T. GRCh37 (hg19) VCF-style: chr5-112162824-A-T.
Other names: c.1428A>T (NM_000038.5); c.1428A>T, p.Ala476= (NM_001127510.3, NM_001354895.2); c.1374A>T, p.Ala458= (NM_001127511.3); c.1482A>T, p.Ala494= (NM_001354896.2); c.1458A>T, p.Ala486= (NM_001354897.2); c.1353A>T, p.Ala451= (NM_001354898.2); c.1344A>T, p.Ala448= (NM_001354899.2); c.1305A>T, p.Ala435= (NM_001354900.2); and 6 more.
Identifiers: ClinVar variation 1583722 (VCV001583722.9), dbSNP rs2149808707, ClinGen allele CA445755906.
Genomic context (GRCh38, chr5:112,827,127, plus strand): 5'-TTTAGATGATTGTCTTTTTCCTCTTGCCCTTTTTAAATTAGGGGGACTACAGGCCATTGC[A>T]GAATTATTGCAAGTGGACTGTGAAATGTATGGGCTTACTAATGACCACTACAGTATTACA-3'
Protein context (NP_000029.2, residues 466-486): MNELGGLQAI[Ala476=]ELLQVDCEMY